The following is an entry in ClinVar:

NM_003611.3(OFD1):c.1302G>A (p.Met434Ile)

Gene: OFD1 (OFD1 centriole and centriolar satellite protein; plus strand). Cytogenetic location: Xp22.2.
Variant type: single nucleotide variant.
Coding change: c.1302G>A on transcript NM_003611.3 (MANE Select); coding-DNA position 1302, G replaced by A.
Protein change: p.Met434Ile; replaces methionine 434 with isoleucine.
Molecular consequence: missense variant.
Genome position (GRCh38, 1-based): chrX:13,756,658, G>A. VCF-style: chrX-13756658-G-A. GRCh37 (hg19) VCF-style: chrX-13774777-G-A.
Other names: NC_000023.10:g.13774777G>A; c.1182G>A, p.Met394Ile (NM_001330209.2, NM_001440948.1); c.882G>A, p.Met294Ile (NM_001330210.2); c.1302G>A, p.Met434Ile (NM_001440947.1); c.1302G>A (NM_003611.2); short protein forms M294I, M394I, M434I.
Identifiers: ClinVar variation 4473842 (VCV004473842.2).

ClinVar aggregate classification (germline): Uncertain significance (1 of 4 stars; one submission).

gnomAD v4.1: 11 of 1,200,648 alleles (0.00092%); highest among the groups gnomAD compares: Non-Finnish European, 0.0012%; no homozygotes.

Submissions (2):

GeneDx
Classification: Uncertain significance. Last evaluated: 2025-05-30. Review status: criteria provided, single submitter. Criteria: GeneDx Variant Classification Process June 2021. Collection method: clinical testing. Allele origin: germline. Affected: yes.
Comment: In silico analysis suggests that this missense variant does not alter protein structure/function; Has not been previously published as pathogenic or benign to our knowledge

Dr. Peter K. Rogan Lab, Western University
No classification provided (evidence only). Condition: Nonpapillary renal cell carcinoma. Review status: no classification provided. Collection method: in vitro. Allele origin: not applicable. Functional consequence: retained intron. Not counted in ClinVar's aggregate classification.